The following is an entry in ClinVar:

NM_001142800.2(EYS):c.2259+1G>C

Gene: EYS (EGF-like photoreceptor maintenance factor; minus strand). Cytogenetic location: 6q12.
Variant type: single nucleotide variant.
Coding change: c.2259+1G>C on transcript NM_001142800.2 (MANE Select); the canonical splice donor site of the intron after coding-DNA position 2259, G replaced by C.
Molecular consequence: splice donor variant.
Genome position (GRCh38, 1-based): chr6:64,997,581, C>G on the plus strand (G>C on the coding strand, the complement: EYS is on the minus strand). VCF-style: chr6-64997581-C-G. GRCh37 (hg19) VCF-style: chr6-65707474-C-G.
Other names: c.2259+1G>C (NM_001292009.2).
Identifiers: ClinVar variation 1076865 (VCV001076865.9), dbSNP rs752736741, ClinGen allele CA364788305.

ClinVar aggregate classification (germline): Pathogenic (1 of 4 stars; one submission).

Submission:

Labcorp Genetics (formerly Invitae), Labcorp
Classification: Pathogenic. Last evaluated: 2022-05-06. Review status: criteria provided, single submitter. Criteria: Invitae Variant Classification Sherloc (09022015). Collection method: clinical testing. Allele origin: germline.
Comment: This sequence change affects a donor splice site in intron 14 of the EYS gene. It is expected to disrupt RNA splicing. Variants that disrupt the donor or acceptor splice site typically lead to a loss of protein function (PMID: 16199547), and loss-of-function variants in EYS are known to be pathogenic (PMID: 18836446, 20333770). For these reasons, this variant has been classified as Pathogenic. Algorithms developed to predict the effect of sequence changes on RNA splicing suggest that this variant may disrupt the consensus splice site. ClinVar contains an entry for this variant (Variation ID: 1076865). Disruption of this splice site has been observed in individuals with retinitis pigmentosa (PMID: 25491159, 28838317). It has also been observed to segregate with disease in related individuals. This variant is not present in population databases (gnomAD no frequency).

Literature cited by the submitters: PubMed 16199547; PubMed 18836446; PubMed 20333770; PubMed 25491159; PubMed 28838317.